The following is an entry in ClinVar:

ClinVar aggregate classification (germline): Likely benign (1 of 4 stars; one submission).

Submission:

Women's Health and Genetics/Laboratory Corporation of America, LabCorp
Classification: Likely benign. Last evaluated: 2025-07-24. Review status: criteria provided, single submitter. Criteria: LabCorp Variant Classification Summary - May 2015. Collection method: clinical testing. Allele origin: germline.
Comment: Variant summary: TTN c.55483+20dupT alters a nucleotide located at a position not widely known to affect splicing. Consensus agreement among computation tools predict no significant impact on normal splicing. However, these predictions have yet to be confirmed by functional studies. The variant allele was found at a frequency of 5.9e-06 in 170830 control chromosomes. The available data on variant occurrences in the general population are insufficient to allow any conclusion about variant significance. To our knowledge, no occurrence of c.55483+20dupT in individuals affected with Dilated Cardiomyopathy and no experimental evidence demonstrating its impact on protein function have been reported. No submitters have cited clinical-significance assessments for this variant to ClinVar. Based on the evidence outlined above, the variant was classified as likely benign.

NM_001267550.2(TTN):c.63187+20dup

Genes: TTN-AS1 (TTN antisense RNA 1; plus strand), TTN (titin; minus strand). Cytogenetic location: 2q31.2.
Variant type: Duplication.
Coding change: c.63187+20dup on transcript NM_001267550.2 (MANE Select); 20 bases into the intron after coding-DNA position 63187, one base duplicated (T; older notation c.63187+20dupT).
Molecular consequence: intron variant.
Genome position (GRCh38, 1-based): chr2:178,588,518, A duplicated on the plus strand (T on the coding strand, the reverse complement: TTN is on the minus strand); the first of 6 consecutive A bases (chr2:178,588,518-178,588,523); duplicating any one gives the same sequence. VCF-style (leftmost placement, unchanged base first): chr2-178588517-G-GA. GRCh37 (hg19) VCF-style: chr2-179453244-G-GA.
Other names: c.35992+20dup (NM_003319.4); c.36568+20dup (NM_133437.4); c.36367+20dup (NM_133432.3); c.55483+20dup (NM_133378.4); c.58264+20dup (NM_001256850.1); c.55483+20dupT (NM_133378.4).
Identifiers: ClinVar variation 4526221 (VCV004526221.1).